The following is an entry in ClinVar:

ClinVar aggregate classification (germline): Uncertain significance (1 of 4 stars; one submission).

Submission:

Labcorp Genetics (formerly Invitae), Labcorp
Classification: Uncertain significance. Last evaluated: 2022-07-13. Review status: criteria provided, single submitter. Criteria: Invitae Variant Classification Sherloc (09022015). Collection method: clinical testing. Allele origin: germline.
Comment: In summary, the available evidence is currently insufficient to determine the role of this variant in disease. Therefore, it has been classified as a Variant of Uncertain Significance. Experimental studies and prediction algorithms are not available or were not evaluated, and the functional significance of this variant is currently unknown. This variant has not been reported in the literature in individuals affected with MAP3K20-related conditions. This variant is not present in population databases (gnomAD no frequency). This sequence change replaces lysine, which is basic and polar, with glutamine, which is neutral and polar, at codon 207 of the MAP3K20 protein (p.Lys207Gln).

NM_016653.3(MAP3K20):c.619A>C (p.Lys207Gln)

Genes: MAP3K20 (mitogen-activated protein kinase kinase kinase 20; plus strand), MAP3K20-AS1 (MAP3K20 antisense RNA 1; minus strand). Cytogenetic location: 2q31.1.
Variant type: single nucleotide variant.
Coding change: c.619A>C on transcript NM_016653.3 (MANE Select); coding-DNA position 619, A replaced by C.
Protein change: p.Lys207Gln; replaces lysine 207 with glutamine.
Molecular consequence: missense variant. On other transcripts: non-coding transcript variant (1).
Genome position (GRCh38, 1-based): chr2:173,198,062, A>C. VCF-style: chr2-173198062-A-C. GRCh37 (hg19) VCF-style: chr2-174062790-A-C.
Other names: c.619A>C, p.Lys207Gln (NM_133646.3); short protein forms K207Q.
Identifiers: ClinVar variation 2016531 (VCV002016531.4), dbSNP rs2468168695, ClinGen allele CA349313484.